The following is an entry in ClinVar:

ClinVar aggregate classification (germline): Uncertain significance. Review status: criteria provided, multiple submitters, no conflicts (2 of 4 stars). 2 submissions from 2 submitters: Uncertain significance (2). Last evaluated 2025-02-02.

Conditions:
Cardiovascular phenotype. Identifiers: MedGen CN230736.
Hereditary cancer-predisposing syndrome. Also called: Neoplastic Syndromes, Hereditary; Tumor predisposition; Hereditary Cancer Syndrome; Hereditary neoplastic syndrome. Identifiers: Orphanet 140162, MedGen C0027672, MeSH D009386, MONDO:0015356.

Submissions (2):

Ambry Genetics
Classification: Uncertain significance for Cardiovascular phenotype; Hereditary cancer-predisposing syndrome. Last evaluated: 2025-02-02. Review status: criteria provided, single submitter. Criteria: Ambry Variant Classification Scheme 2023. Collection method: clinical testing. Allele origin: germline.
Comment: The p.E605D variant (also known as c.1815G>T), located in coding exon 16 of the LZTR1 gene, results from a G to T substitution at nucleotide position 1815. The glutamic acid at codon 605 is replaced by aspartic acid, an amino acid with highly similar properties. This amino acid position is conserved. In addition, this alteration is predicted to be tolerated by in silico analysis. Based on the available evidence, the clinical significance of this variant remains unclear.

Blueprint Genetics
Classification: Uncertain significance. Last evaluated: 2022-07-29. Review status: criteria provided, single submitter. Criteria: ACMG Guidelines, 2015. Collection method: clinical testing. Allele origin: germline.

NM_006767.4(LZTR1):c.1815G>T (p.Glu605Asp)

Gene: LZTR1 (leucine zipper like post translational regulator 1; plus strand). Cytogenetic location: 22q11.21.
Variant type: single nucleotide variant.
Coding change: c.1815G>T on transcript NM_006767.4 (MANE Select); coding-DNA position 1815, G replaced by T.
Protein change: p.Glu605Asp; replaces glutamic acid 605 with aspartic acid.
Molecular consequence: missense variant.
Genome position (GRCh38, 1-based): chr22:20,994,899, G>T. VCF-style: chr22-20994899-G-T. GRCh37 (hg19) VCF-style: chr22-21349188-G-T.
Other names: short protein forms E605D.
Identifiers: ClinVar variation 3869315 (VCV003869315.2).